The following is an entry in ClinVar:

NM_021625.5(TRPV4):c.711A>G (p.Arg237=)

Gene: TRPV4 (transient receptor potential cation channel subfamily V member 4; minus strand). Cytogenetic location: 12q24.11.
Variant type: single nucleotide variant.
Coding change: c.711A>G on transcript NM_021625.5 (MANE Select); coding-DNA position 711, A replaced by G.
Protein change: p.Arg237=; no amino-acid change (arginine 237 retained).
Molecular consequence: synonymous variant.
Genome position (GRCh38, 1-based): chr12:109,802,992, T>C on the plus strand (A>G on the coding strand, the complement: TRPV4 is on the minus strand). VCF-style: chr12-109802992-T-C. GRCh37 (hg19) VCF-style: chr12-110240797-T-C.
Other names: c.711A>G, p.Arg237= (NM_001177433.2, NM_147204.3, NM_001177428.2); c.609A>G, p.Arg203= (NM_001177431.2).
Identifiers: ClinVar variation 469046 (VCV000469046.14), dbSNP rs927188562, ClinGen allele CA243471000.

ClinVar aggregate classification (germline): Uncertain significance. Review status: criteria provided, multiple submitters, no conflicts (2 of 4 stars). 2 submissions from 2 submitters: Uncertain significance (2). Last evaluated 2025-12-01.

Conditions:
Charcot-Marie-Tooth disease axonal type 2C (HMSN2C). Also called: CHARCOT-MARIE-TOOTH DISEASE, AXONAL, AUTOSOMAL DOMINANT, TYPE 2C; Charcot-Marie-Tooth Neuropathy Type 2C; Charcot-Marie-Tooth Disease Type 2, TRPV4-Related (CMT2C). Identifiers: Orphanet 99937, MedGen C1853710, MONDO:0011633, OMIM 606071.

Allele frequency attached by ClinVar (database versions not stated): gnomAD exomes 0.00001; gnomAD 0.00003 and 0.00004; TOPMed 0.00003.
gnomAD v4.1: 17 of 1,613,654 alleles (0.0011%); highest among the groups gnomAD compares: Non-Finnish European, 0.0012%; no homozygotes.

Submissions (2):

Labcorp Genetics (formerly Invitae), Labcorp
Classification: Uncertain significance for Charcot-Marie-Tooth disease axonal type 2C. Last evaluated: 2025-12-01. Review status: criteria provided, single submitter. Criteria: Invitae Variant Classification Sherloc (09022015). Collection method: clinical testing. Allele origin: germline.
Comment: This sequence change affects codon 237 of the TRPV4 mRNA. It is a 'silent' change, meaning that it does not change the encoded amino acid sequence of the TRPV4 protein. It affects a nucleotide within the consensus splice site. This variant is present in population databases (no rsID available, gnomAD 0.002%). This variant has not been reported in the literature in individuals affected with TRPV4-related conditions. ClinVar contains an entry for this variant (Variation ID: 469046). Algorithms developed to predict the effect of sequence changes on RNA splicing suggest that this variant may disrupt the consensus splice site. In summary, the available evidence is currently insufficient to determine the role of this variant in disease. Therefore, it has been classified as a Variant of Uncertain Significance.

ARUP Laboratories, Molecular Genetics and Genomics, ARUP Laboratories
Classification: Uncertain significance. Last evaluated: 2019-05-23. Review status: criteria provided, single submitter. Criteria: ARUP Molecular Germline Variant Investigation Process. Collection method: clinical testing. Allele origin: germline.
Comment: The TRPV4 c.711A>G; p.Arg237Arg variant (rs927188562), to our knowledge, is not reported in the medical literature or gene-specific databases. This variant is found on only two chromosomes (2/250828 alleles) in the Genome Aggregation Database, indicating it is not a common polymorphism. This is a synonymous variant in a weakly conserved nucleotide, but computational analyses (Alamut v.2.11) predict that this variant may impact splicing by weakening the nearby canonical donor splice site, although RNA analyses would be required to confirm this. However, TRPV4 variants previously described in Charcot-Marie-Tooth disease have primarily been gain-of-function missense variants (Klein 2011, Landoure 2010), and thus the p.Arg237Arg may not conform to the predicted mechanism of disease. However, given the lack of clinical and functional data, the significance of the p.Arg237Arg variant is uncertain at this time. References: Klein CJ et al. TRPV4 mutations and cytotoxic hypercalcemia in axonal Charcot-Marie-Tooth neuropathies. Neurology. 2011 Mar 8;76(10):887-94. Landoure G et al. Mutations in TRPV4 cause Charcot-Marie-Tooth disease type 2C. Nat Genet. 2010 Feb;42(2):170-4.